The following is an entry in ClinVar:

ClinVar aggregate classification (germline): Benign (1 of 4 stars; one submission).

Allele frequency attached by ClinVar (database versions not stated): gnomAD 0.15778 and 0.16581; TOPMed 0.18088; 1000 Genomes Project 30x 0.31371; 1000 Genomes Project 0.31829.
gnomAD v4.1: 25,020 of 151,326 alleles (17%); highest among the groups gnomAD compares: East Asian, 71%; 3,763 homozygotes.

Submission:

GeneDx
Classification: Benign. Last evaluated: 2018-06-14. Review status: criteria provided, single submitter. Criteria: GeneDx Variant Classification (06012015). Collection method: clinical testing. Allele origin: germline. Affected: yes.
Comment: This variant is considered likely benign or benign based on one or more of the following criteria: it is a conservative change, it occurs at a poorly conserved position in the protein, it is predicted to be benign by multiple in silico algorithms, and/or has population frequency not consistent with disease.

NM_001267550.2(TTN):c.1662+317C>T

Gene: TTN (titin; minus strand). Cytogenetic location: 2q31.2.
Variant type: single nucleotide variant.
Coding change: c.1662+317C>T on transcript NM_001267550.2 (MANE Select); 317 bases into the intron after coding-DNA position 1662, C replaced by T.
Molecular consequence: intron variant.
Genome position (GRCh38, 1-based): chr2:178,791,755, G>A on the plus strand (C>T on the coding strand, the complement: TTN is on the minus strand). VCF-style: chr2-178791755-G-A. GRCh37 (hg19) VCF-style: chr2-179656482-G-A.
Other names: c.1662+317C>T (NM_001256850.1, NM_003319.4, NM_133437.4 and 3 more transcripts).
Identifiers: ClinVar variation 680845 (VCV000680845.1), dbSNP rs10184892, ClinGen allele CA60984616.